The following is an entry in ClinVar:

ClinVar aggregate classification (germline): Uncertain significance (1 of 4 stars; one submission).

Conditions:
Menkes kinky-hair syndrome (MNK). Also called: Copper transport disease; Menkes Disease; Classic Menkes Disease. Identifiers: Orphanet 565, MedGen C0022716, MONDO:0010651, OMIM 309400.
X-linked distal spinal muscular atrophy type 3. Also called: ATP7A-Related Distal Motor Neuropathy; SPINAL MUSCULAR ATROPHY, DISTAL, X-LINKED RECESSIVE; NEURONOPATHY, DISTAL HEREDITARY MOTOR, X-LINKED; NEUROPATHY, DISTAL HEREDITARY MOTOR, X-LINKED. Identifiers: Orphanet 139557, MedGen C1845359, MONDO:0010338, OMIM 300489.
Cutis laxa, X-linked (OHS). Also called: EDS IX; Occipital horn syndrome. Identifiers: Orphanet 198, MedGen C0268353, MONDO:0010572, OMIM 304150.

Submission:

Labcorp Genetics (formerly Invitae), Labcorp
Classification: Uncertain significance for X-linked distal spinal muscular atrophy type 3; Cutis laxa, X-linked; Menkes kinky-hair syndrome. Last evaluated: 2021-12-09. Review status: criteria provided, single submitter. Criteria: Invitae Variant Classification Sherloc (09022015). Collection method: clinical testing. Allele origin: germline.
Comment: This sequence change replaces phenylalanine, which is neutral and non-polar, with valine, which is neutral and non-polar, at codon 1202 of the ATP7A protein (p.Phe1202Val). This variant is not present in population databases (gnomAD no frequency). This variant has not been reported in the literature in individuals affected with ATP7A-related conditions. Advanced modeling of protein sequence and biophysical properties (such as structural, functional, and spatial information, amino acid conservation, physicochemical variation, residue mobility, and thermodynamic stability) performed at Invitae indicates that this missense variant is not expected to disrupt ATP7A protein function. In summary, the available evidence is currently insufficient to determine the role of this variant in disease. Therefore, it has been classified as a Variant of Uncertain Significance.

NM_000052.7(ATP7A):c.3604T>G (p.Phe1202Val)

Gene: ATP7A (ATPase copper transporting alpha; plus strand). Cytogenetic location: Xq21.1.
Variant type: single nucleotide variant.
Coding change: c.3604T>G on transcript NM_000052.7 (MANE Select); coding-DNA position 3604, T replaced by G.
Protein change: p.Phe1202Val; replaces phenylalanine 1202 with valine.
Molecular consequence: missense variant. On other transcripts: non-coding transcript variant (1).
Genome position (GRCh38, 1-based): chrX:78,038,928, T>G. VCF-style: chrX-78038928-T-G. GRCh37 (hg19) VCF-style: chrX-77294426-T-G.
Other names: c.3370T>G, p.Phe1124Val (NM_001282224.2); short protein forms F1202V, F1124V.
Identifiers: ClinVar variation 2038941 (VCV002038941.4), dbSNP rs2522410779, ClinGen allele CA413604548.